The following is an entry in ClinVar:

ClinVar aggregate classification (germline): Uncertain significance (1 of 4 stars; one submission).

Allele frequency attached by ClinVar (database versions not stated): gnomAD exomes below 0.00001 and 0.00001; TOPMed below 0.00001.
gnomAD v4.1: 6 of 1,613,850 alleles (0.00037%); highest among the groups gnomAD compares: Non-Finnish European, 0.00051%; no homozygotes.

Submission:

Labcorp Genetics (formerly Invitae), Labcorp
Classification: Uncertain significance. Last evaluated: 2023-05-08. Review status: criteria provided, single submitter. Criteria: Invitae Variant Classification Sherloc (09022015). Collection method: clinical testing. Allele origin: germline.
Comment: In summary, the available evidence is currently insufficient to determine the role of this variant in disease. Therefore, it has been classified as a Variant of Uncertain Significance. Experimental studies and prediction algorithms are not available or were not evaluated, and the functional significance of this variant is currently unknown. ClinVar contains an entry for this variant (Variation ID: 1352787). This variant has not been reported in the literature in individuals affected with PDZD7-related conditions. The frequency data for this variant in the population databases is considered unreliable, as metrics indicate poor data quality at this position in the gnomAD database. This sequence change replaces serine, which is neutral and polar, with arginine, which is basic and polar, at codon 18 of the PDZD7 protein (p.Ser18Arg).

NM_001195263.2(PDZD7):c.54C>A (p.Ser18Arg)

Gene: PDZD7 (PDZ domain containing 7; minus strand). Cytogenetic location: 10q24.31.
Variant type: single nucleotide variant.
Coding change: c.54C>A on transcript NM_001195263.2 (MANE Select); coding-DNA position 54, C replaced by A.
Protein change: p.Ser18Arg; replaces serine 18 with arginine.
Molecular consequence: missense variant.
Genome position (GRCh38, 1-based): chr10:101,030,166, G>T on the plus strand (C>A on the coding strand, the complement: PDZD7 is on the minus strand). VCF-style: chr10-101030166-G-T. GRCh37 (hg19) VCF-style: chr10-102789923-G-T.
Other names: c.54C>A, p.Ser18Arg (NM_001351044.2, NM_024895.5); short protein forms S18R.
Identifiers: ClinVar variation 1352787 (VCV001352787.8), dbSNP rs1417962390, ClinGen allele CA378231477.